The following is an entry in ClinVar:

ClinVar aggregate classification (germline): Benign/Likely benign. Review status: criteria provided, multiple submitters, no conflicts (2 of 4 stars). 2 submissions from 2 submitters: Benign (1); Likely benign (1). Last evaluated 2026-05-05.

Conditions:
Colorectal cancer, hereditary nonpolyposis, type 7. Identifiers: Orphanet 144, MedGen C1858380, MONDO:0013725, OMIM 614385.

Allele frequency attached by ClinVar (database versions not stated): gnomAD 0.00001; TOPMed below 0.00001.
gnomAD v4.1: 2 of 1,613,940 alleles (0.00012%); highest among the groups gnomAD compares: African/African-American, 0.0027%; no homozygotes.

Submissions (2):

Myriad Genetics, Inc.
Classification: Benign for Colorectal cancer, hereditary nonpolyposis, type 7. Last evaluated: 2026-05-05. Review status: criteria provided, single submitter. Criteria: Myriad Autosomal Dominant, Autosomal Recessive and X-Linked Classification Criteria (2023). Collection method: clinical testing. Allele origin: unknown.
Comment: This variant is considered benign. This variant is a silent/synonymous amino acid change and it is not expected to impact splicing.

Ambry Genetics
Classification: Likely benign. Last evaluated: 2020-02-09. Review status: criteria provided, single submitter. Criteria: Ambry Variant Classification Scheme 2023. Collection method: clinical testing. Allele origin: germline.

NM_001040108.2(MLH3):c.2805C>T (p.Ile935=)

Gene: MLH3 (mutL homolog 3; minus strand). Cytogenetic location: 14q24.3.
Variant type: single nucleotide variant.
Coding change: c.2805C>T on transcript NM_001040108.2 (MANE Select); coding-DNA position 2805, C replaced by T.
Protein change: p.Ile935=; no amino-acid change (isoleucine 935 retained).
Molecular consequence: synonymous variant.
Genome position (GRCh38, 1-based): chr14:75,046,851, G>A on the plus strand (C>T on the coding strand, the complement: MLH3 is on the minus strand). VCF-style: chr14-75046851-G-A. GRCh37 (hg19) VCF-style: chr14-75513554-G-A.
Other names: c.2805C>T, p.Ile935= (NM_014381.3).
Identifiers: ClinVar variation 1796256 (VCV001796256.3), dbSNP rs1892268760, ClinGen allele CA487272927.